The following is an entry in ClinVar:

NM_015374.3(SUN2):c.1663+4C>G

Genes: GTPBP1 (GTP binding protein 1; plus strand), SUN2 (Sad1 and UNC84 domain containing 2; minus strand). Cytogenetic location: 22q13.1.
Variant type: single nucleotide variant.
Coding change: c.1663+4C>G on transcript NM_015374.3 (MANE Select); 4 bases into the intron after coding-DNA position 1663, C replaced by G.
Molecular consequence: intron variant.
Genome position (GRCh38, 1-based): chr22:38,739,338, G>C on the plus strand (C>G on the coding strand, the complement: SUN2 is on the minus strand). VCF-style: chr22-38739338-G-C. GRCh37 (hg19) VCF-style: chr22-39135343-G-C.
Other names: c.1171+4C>G (NM_001394443.1); c.1573+4C>G (NM_001394438.1); c.1525+4C>G (NM_001394439.1, NM_001394441.1, NM_001394440.1); c.1087+4C>G (NM_001394444.1, NM_001394445.1); c.1264+4C>G (NM_001394442.1); c.1660+4C>G (NM_001394437.1, NM_001394436.1); c.1756+4C>G (NM_001394427.1); c.1726+4C>G (NM_001199579.2, NM_001394428.1); and 2 more.
Identifiers: ClinVar variation 2053071 (VCV002053071.4), dbSNP rs367645117, ClinGen allele CA1025637702.

ClinVar aggregate classification (germline): Uncertain significance (1 of 4 stars; one submission).

Conditions:
Emery-Dreifuss muscular dystrophy (EDMD). Also called: Scapuloperoneal syndrome, X-linked (formerly); Humeroperoneal neuromuscular disease, (formerly). Identifiers: Orphanet 261, MedGen C0410189, MONDO:0016830.

gnomAD v4.1: 5 of 1,612,796 alleles (0.00031%); highest among the groups gnomAD compares: Admixed American, 0.0017%; no homozygotes.

Submission:

Labcorp Genetics (formerly Invitae), Labcorp
Classification: Uncertain significance for Emery-Dreifuss muscular dystrophy. Last evaluated: 2023-05-16. Review status: criteria provided, single submitter. Criteria: Invitae Variant Classification Sherloc (09022015). Collection method: clinical testing. Allele origin: germline.
Comment: In summary, the available evidence is currently insufficient to determine the role of this variant in disease. Therefore, it has been classified as a Variant of Uncertain Significance. Variants that disrupt the consensus splice site are a relatively common cause of aberrant splicing (PMID: 17576681, 9536098). Algorithms developed to predict the effect of sequence changes on RNA splicing suggest that this variant is not likely to affect RNA splicing. ClinVar contains an entry for this variant (Variation ID: 2053071). This variant has not been reported in the literature in individuals affected with SUN2-related conditions. This variant is not present in population databases (gnomAD no frequency). This sequence change falls in intron 14 of the SUN2 gene. It does not directly change the encoded amino acid sequence of the SUN2 protein. It affects a nucleotide within the consensus splice site.

Literature cited by the submitters: PubMed 17576681; PubMed 9536098.